The following is an entry in ClinVar:

ClinVar aggregate classification (germline): Pathogenic (1 of 4 stars; one submission).

Conditions:
Multiple congenital exostosis (EXT). Also called: Hereditary multiple exostoses; Hereditary multiple exostosis; MULTIPLE CARTILAGINOUS EXOSTOSES; Multiple exostoses; Hereditary multiple osteochondromas; Multiple osteochondromas. Identifiers: Orphanet 321, MedGen C0015306, MONDO:0005508, HP:0002762.

Submission:

Labcorp Genetics (formerly Invitae), Labcorp
Classification: Pathogenic for Multiple congenital exostosis. Last evaluated: 2022-11-01. Review status: criteria provided, single submitter. Criteria: Invitae Variant Classification Sherloc (09022015). Collection method: clinical testing. Allele origin: germline.
Comment: For these reasons, this variant has been classified as Pathogenic. This sequence change creates a premature translational stop signal (p.Tyr22Argfs*6) in the EXT1 gene. It is expected to result in an absent or disrupted protein product. Loss-of-function variants in EXT1 are known to be pathogenic (PMID: 10679937, 11391482, 19810120). This variant is not present in population databases (gnomAD no frequency). This premature translational stop signal has been observed in individual(s) with multiple osteochondromas (PMID: 30806661). ClinVar contains an entry for this variant (Variation ID: 1070211).

Literature cited by the submitters: PubMed 10679937; PubMed 11391482; PubMed 19810120; PubMed 30806661.

NM_000127.3(EXT1):c.60_64del (p.Tyr22fs)

Gene: EXT1 (exostosin glycosyltransferase 1; minus strand). Cytogenetic location: 8q24.11.
Variant type: Deletion.
Coding change: c.60_64del on transcript NM_000127.3 (MANE Select); coding-DNA positions 60 to 64, 5 bases deleted (GTTTT; older notation c.60_64delGTTTT).
Protein change: p.Tyr22fs; shifts the reading frame from tyrosine 22.
Molecular consequence: frameshift variant.
Genome position (GRCh38, 1-based): chr8:118,110,983-118,110,987, AAAAC deleted on the plus strand (GTTTT on the coding strand, the reverse complement: EXT1 is on the minus strand); deleting any 5 consecutive bases within chr8:118,110,983-118,110,991 gives the same sequence; the c. name uses the placement nearest the transcript's 3' end. VCF-style (leftmost placement, unchanged base first): chr8-118110982-TAAAAC-T. GRCh37 (hg19) VCF-style: chr8-119123221-TAAAAC-T.
Other names: short protein forms Y22fs.
Identifiers: ClinVar variation 1070211 (VCV001070211.9), dbSNP rs2130045851, ClinGen allele CA2499219113.